The following is an entry in ClinVar:

NM_001163435.3(TBCK):c.226C>T (p.Arg76Cys)

Gene: TBCK (TBC1 domain containing kinase; minus strand). Cytogenetic location: 4q24.
Variant type: single nucleotide variant.
Coding change: c.226C>T on transcript NM_001163435.3 (MANE Select); coding-DNA position 226, C replaced by T.
Protein change: p.Arg76Cys; replaces arginine 76 with cysteine.
Molecular consequence: missense variant. On other transcripts: 5 prime UTR variant (1).
Genome position (GRCh38, 1-based): chr4:106,295,134, G>A on the plus strand (C>T on the coding strand, the complement: TBCK is on the minus strand). VCF-style: chr4-106295134-G-A. GRCh37 (hg19) VCF-style: chr4-107216291-G-A.
Other names: c.226C>T, p.Arg76Cys (NM_001163436.4, NM_001163437.3, NM_033115.5); c.-392C>T (NM_001290768.2); c.226C>T (NM_001163435.2); short protein forms R76C.
Identifiers: ClinVar variation 1415056 (VCV001415056.5), dbSNP rs145078307, ClinGen allele CA3035494.

ClinVar aggregate classification (germline): Uncertain significance. Review status: criteria provided, multiple submitters, no conflicts (2 of 4 stars). 3 submissions from 3 submitters: Uncertain significance (3). Last evaluated 2025-07-10.

Conditions:
TBCK-related disorder. Also called: TBCK-related condition; TBCK-related disorders.

Allele frequency attached by ClinVar (database versions not stated): gnomAD 0.00002 and 0.00003; gnomAD exomes 0.00003 and 0.00004; ExAC 0.00005; TOPMed 0.00005; ESP Exome Variant Server 0.00008; 1000 Genomes Project 30x 0.00031; 1000 Genomes Project 0.00040.
gnomAD v4.1: 52 of 1,613,318 alleles (0.0032%); highest among the groups gnomAD compares: Middle Eastern, 0.033%; no homozygotes.

Submissions (3):

PreventionGenetics, part of Exact Sciences
Classification: Uncertain significance for TBCK-related condition. Last evaluated: 2025-07-10. Review status: criteria provided, single submitter. Criteria: ACMG Guidelines, 2015. Collection method: clinical testing. Allele origin: germline.
Comment: The TBCK c.226C>T variant is predicted to result in the amino acid substitution p.Arg76Cys. To our knowledge, this variant has not been reported in the literature. This variant is reported in 0.031% of alleles in individuals of African descent in gnomAD. At this time, the clinical significance of this variant is uncertain due to the absence of conclusive functional and genetic evidence.

Labcorp Genetics (formerly Invitae), Labcorp
Classification: Uncertain significance. Last evaluated: 2022-03-22. Review status: criteria provided, single submitter. Criteria: Invitae Variant Classification Sherloc (09022015). Collection method: clinical testing. Allele origin: germline.
Comment: This sequence change replaces arginine, which is basic and polar, with cysteine, which is neutral and slightly polar, at codon 76 of the TBCK protein (p.Arg76Cys). This variant is present in population databases (rs145078307, gnomAD 0.03%). This variant has not been reported in the literature in individuals affected with TBCK-related conditions. Algorithms developed to predict the effect of missense changes on protein structure and function (SIFT, PolyPhen-2, Align-GVGD) all suggest that this variant is likely to be tolerated. In summary, the available evidence is currently insufficient to determine the role of this variant in disease. Therefore, it has been classified as a Variant of Uncertain Significance.

Breakthrough Genomics
Classification: Uncertain significance. Review status: criteria provided, single submitter. Criteria: ACMG Guidelines, 2015. Collection method: not provided. Allele origin: germline. Inheritance: Autosomal recessive inheritance. Affected: yes.